The following is an entry in ClinVar:

ClinVar aggregate classification (germline): Uncertain significance (1 of 4 stars; one submission).

Conditions:
Parkinson disease 26, autosomal dominant, susceptibility to. Also called: RAB32-Related Parkinson Disease. Identifiers: MedGen C5975349, MONDO:0975748, OMIM 620923.

gnomAD v4.1: 76 of 1,483,178 alleles (0.0051%); highest among the groups gnomAD compares: African/African-American, 0.062%; no homozygotes.

Submission:

OLLIN Analises Genomicas, OLLIN
Classification: Uncertain significance for Parkinson disease 26, autosomal dominant, susceptibility to. Last evaluated: 2026-02-13. Review status: criteria provided, single submitter. Criteria: ACMG Guidelines 2015 PMID 25741868. Collection method: clinical testing. Allele origin: germline. Observed: 1 variant allele.
Comment: PM2_P, BP4_M

NM_006834.5(RAB32):c.14G>A (p.Gly5Glu)

Gene: RAB32 (RAB32, member RAS oncogene family; plus strand). Cytogenetic location: 6q24.3.
Variant type: single nucleotide variant.
Coding change: c.14G>A on transcript NM_006834.5 (MANE Select); coding-DNA position 14, G replaced by A.
Protein change: p.Gly5Glu; replaces glycine 5 with glutamic acid.
Molecular consequence: missense variant.
Genome position (GRCh38, 1-based): chr6:146,543,885, G>A. VCF-style: chr6-146543885-G-A. GRCh37 (hg19) VCF-style: chr6-146865021-G-A.
Other names: short protein forms G5E.
Identifiers: ClinVar variation 4814096 (VCV004814096.1).